The following is an entry in ClinVar:

ClinVar aggregate classification (germline): Uncertain significance (1 of 4 stars; one submission).

Allele frequency attached by ClinVar (database versions not stated): ExAC 0.00001; gnomAD 0.00001; TOPMed 0.00001; 1000 Genomes Project 0.00020; 1000 Genomes Project 30x 0.00031.
gnomAD v4.1: 2 of 1,614,224 alleles (0.00012%); highest among the groups gnomAD compares: Middle Eastern, 0.016%; no homozygotes.

Submission:

Ambry Genetics
Classification: Uncertain significance. Last evaluated: 2024-05-31. Review status: criteria provided, single submitter. Criteria: Ambry Variant Classification Scheme 2023. Collection method: clinical testing. Allele origin: germline.
Comment: The p.D373E variant (also known as c.1119C>A), located in coding exon 10 of the RAD54L gene, results from a C to A substitution at nucleotide position 1119. The aspartic acid at codon 373 is replaced by glutamic acid, an amino acid with highly similar properties. This amino acid position is conserved. In addition, this alteration is predicted to be tolerated by in silico analysis. Since supporting evidence is limited at this time, the clinical significance of this alteration remains unclear.

NM_003579.4(RAD54L):c.1119C>A (p.Asp373Glu)

Gene: RAD54L (RAD54 like; plus strand). Cytogenetic location: 1p34.1.
Variant type: single nucleotide variant.
Coding change: c.1119C>A on transcript NM_003579.4 (MANE Select); coding-DNA position 1119, C replaced by A.
Protein change: p.Asp373Glu; replaces aspartic acid 373 with glutamic acid.
Molecular consequence: missense variant.
Genome position (GRCh38, 1-based): chr1:46,270,735, C>A. VCF-style: chr1-46270735-C-A. GRCh37 (hg19) VCF-style: chr1-46736407-C-A.
Other names: c.1119C>A, p.Asp373Glu (NM_001142548.2); c.579C>A, p.Asp193Glu (NM_001370766.1); short protein forms D193E, D373E.
Identifiers: ClinVar variation 1796978 (VCV001796978.3), dbSNP rs570472444, ClinGen allele CA834474.
Genomic context (GRCh38, chr1:46,270,735, plus strand): 5'-CAAGAAGCATTTTGAATTGCCAATTTTGAAGGGTCGAGACGCTGCTGCTAGTGAGGCAGA[C>A]AGGCAGCTAGGAGAGGAGCGGCTGCGGGAGCTCACCAGCATTGTGAATAGGTAATGACCT-3'
Protein context (NP_003570.2, residues 363-383): KGRDAAASEA[Asp373Glu]RQLGEERLRE